The following is an entry in ClinVar:

NM_001283009.2(RTEL1):c.940G>A (p.Asp314Asn)

Genes: RTEL1 (regulator of telomere elongation helicase 1; plus strand), RTEL1-TNFRSF6B (RTEL1-TNFRSF6B readthrough (NMD candidate); plus strand). Cytogenetic location: 20q13.33.
Variant type: single nucleotide variant.
Coding change: c.940G>A on transcript NM_001283009.2 (MANE Select); coding-DNA position 940, G replaced by A.
Protein change: p.Asp314Asn; replaces aspartic acid 314 with asparagine.
Molecular consequence: missense variant. On other transcripts: non-coding transcript variant (1).
Genome position (GRCh38, 1-based): chr20:63,678,165, G>A. VCF-style: chr20-63678165-G-A. GRCh37 (hg19) VCF-style: chr20-62309518-G-A.
Other names: c.271G>A, p.Asp91Asn (NM_001283010.1); c.940G>A, p.Asp314Asn (NM_016434.4); c.1012G>A, p.Asp338Asn (NM_032957.5); short protein forms D314N, D338N, D91N.
Identifiers: ClinVar variation 540928 (VCV000540928.7), dbSNP rs758615955, ClinGen allele CA9964516.

ClinVar aggregate classification (germline): Uncertain significance. Review status: criteria provided, multiple submitters, no conflicts (2 of 4 stars). 3 submissions from 3 submitters: Uncertain significance (2). 1 of the submissions does not count toward it. Last evaluated 2025-10-14.

Conditions:
Dyskeratosis congenita. Identifiers: Orphanet 1775, MedGen C0265965, MONDO:0015780.
Inborn genetic diseases. Identifiers: MedGen C0950123, MeSH D030342.
Pulmonary fibrosis and/or bone marrow failure, Telomere-related, 3. Also called: PULMONARY FIBROSIS AND/OR BONE MARROW FAILURE SYNDROME, TELOMERE-RELATED, 3. Identifiers: Orphanet 2032, MedGen C4225346, MONDO:0014613, OMIM 616373.
Dyskeratosis congenita, autosomal recessive 5 (DKCB5). Identifiers: MedGen C3554656, MONDO:0014076, OMIM 615190.

Allele frequency attached by ClinVar (database versions not stated): TOPMed below 0.00001; gnomAD exomes 0.00001 and 0.00004; ExAC 0.00002; gnomAD 0.00002 and 0.00003.
gnomAD v4.1: 58 of 1,614,074 alleles (0.0036%); highest among the groups gnomAD compares: Non-Finnish European, 0.0047%; no homozygotes.

Submissions (3):

Labcorp Genetics (formerly Invitae), Labcorp
Classification: Uncertain significance for Dyskeratosis congenita, autosomal recessive 5; Pulmonary fibrosis and/or bone marrow failure, Telomere-related, 3. Last evaluated: 2025-10-14. Review status: criteria provided, single submitter. Criteria: Invitae Variant Classification Sherloc (09022015). Collection method: clinical testing. Allele origin: germline.
Comment: This sequence change replaces aspartic acid, which is acidic and polar, with asparagine, which is neutral and polar, at codon 314 of the RTEL1 protein (p.Asp314Asn). This variant is present in population databases (rs758615955, gnomAD 0.003%). This variant has not been reported in the literature in individuals affected with RTEL1-related conditions. ClinVar contains an entry for this variant (Variation ID: 540928). An algorithm developed to predict the effect of missense changes on protein structure and function (PolyPhen-2) suggests that this variant is likely to be tolerated. In summary, the available evidence is currently insufficient to determine the role of this variant in disease. Therefore, it has been classified as a Variant of Uncertain Significance.

Ambry Genetics
Classification: Uncertain significance for Inborn genetic diseases. Last evaluated: 2024-11-21. Review status: criteria provided, single submitter. Criteria: Ambry Variant Classification Scheme 2023. Collection method: clinical testing. Allele origin: germline.
Comment: The p.D314N variant (also known as c.940G>A), located in coding exon 10 of the RTEL1 gene, results from a G to A substitution at nucleotide position 940. The aspartic acid at codon 314 is replaced by asparagine, an amino acid with highly similar properties. This amino acid position is conserved. In addition, this alteration is predicted to be tolerated by in silico analysis. Based on the available evidence, the clinical significance of this variant remains unclear.

Natera, Inc.
Classification: Uncertain significance for Dyskeratosis congenita. Last evaluated: 2019-11-11. Review status: no assertion criteria provided. Collection method: clinical testing. Allele origin: germline. Not counted in ClinVar's aggregate classification.